The following is an entry in ClinVar:

NM_001378328.1(CELSR1):c.2318C>T (p.Ala773Val)

Gene: CELSR1 (cadherin EGF LAG seven-pass G-type receptor 1; minus strand). Cytogenetic location: 22q13.31.
Variant type: single nucleotide variant.
Coding change: c.2318C>T on transcript NM_001378328.1 (MANE Select); coding-DNA position 2318, C replaced by T.
Protein change: p.Ala773Val; replaces alanine 773 with valine.
Molecular consequence: missense variant.
Genome position (GRCh38, 1-based): chr22:46,534,853, G>A on the plus strand (C>T on the coding strand, the complement: CELSR1 is on the minus strand). VCF-style: chr22-46534853-G-A. GRCh37 (hg19) VCF-style: chr22-46930750-G-A.
Other names: c.2318C>T, p.Ala773Val (NM_014246.4); short protein forms A773V.
Identifiers: ClinVar variation 723717 (VCV000723717.6), dbSNP rs12170597, ClinGen allele CA10295269.
Genomic context (GRCh38, chr22:46,534,853, plus strand): 5'-TGGGAGCTCTGAAAGACAGGCCTGTGGGTGTTGGCATCAGTGACGTTGATTAGGACATGC[G>A]CAGTGTGCGACCGTGTGCCGTCGGATGCTGTCACCGCCAGCACGTACTGCTGCTCCTGCT-3'
Protein context (NP_001365257.1, residues 763-783): TASDGTRSHT[Ala773Val]HVLINVTDAN

ClinVar aggregate classification (germline): Benign. Review status: criteria provided, single submitter (1 of 4 stars). 2 submissions from 2 submitters: Benign (1). 1 of the submissions does not count toward it. Last evaluated 2019-12-31.

Conditions:
CELSR1-related disorder. Also called: CELSR1-related condition.

Allele frequency attached by ClinVar (database versions not stated): gnomAD exomes 0.00049 and 0.00121; TOPMed 0.00502; 1000 Genomes Project 30x 0.00531; gnomAD 0.00529; ExAC 0.00157; ESP Exome Variant Server 0.00500; 1000 Genomes Project 0.00539.
gnomAD v4.1: 1,486 of 1,612,898 alleles (0.092%); highest among the groups gnomAD compares: African/African-American, 1.8%; 21 homozygotes.

Submissions (2):

Labcorp Genetics (formerly Invitae), Labcorp
Classification: Benign. Last evaluated: 2019-12-31. Review status: criteria provided, single submitter. Criteria: Invitae Variant Classification Sherloc (09022015). Collection method: clinical testing. Allele origin: germline.

PreventionGenetics, part of Exact Sciences
Classification: Likely benign for CELSR1-related condition. Last evaluated: 2019-12-06. Review status: no assertion criteria provided. Collection method: clinical testing. Allele origin: germline. Not counted in ClinVar's aggregate classification.
Comment: This variant is classified as likely benign based on ACMG/AMP sequence variant interpretation guidelines (Richards et al. 2015 PMID: 25741868, with internal and published modifications).